The following is an entry in ClinVar:

ClinVar aggregate classification (germline): Uncertain significance. Review status: criteria provided, multiple submitters, no conflicts (2 of 4 stars). 2 submissions from 2 submitters: Uncertain significance (2). Last evaluated 2024-01-21.

Conditions:
Hereditary cancer-predisposing syndrome. Also called: Hereditary neoplastic syndrome; Neoplastic Syndromes, Hereditary; Hereditary Cancer Syndrome; Tumor predisposition. Identifiers: Orphanet 140162, MedGen C0027672, MeSH D009386, MONDO:0015356.

Submissions (2):

Ambry Genetics
Classification: Uncertain significance for Hereditary cancer-predisposing syndrome. Last evaluated: 2024-01-21. Review status: criteria provided, single submitter. Criteria: Ambry Variant Classification Scheme 2023. Collection method: clinical testing. Allele origin: germline.
Comment: The p.K382E variant (also known as c.1144A>G), located in coding exon 7 of the MSH3 gene, results from an A to G substitution at nucleotide position 1144. The lysine at codon 382 is replaced by glutamic acid, an amino acid with similar properties. This amino acid position is conserved. In addition, the in silico prediction for this alteration is inconclusive. Based on the available evidence, the clinical significance of this alteration remains unclear.

Labcorp Genetics (formerly Invitae), Labcorp
Classification: Uncertain significance. Last evaluated: 2023-12-22. Review status: criteria provided, single submitter. Criteria: Invitae Variant Classification Sherloc (09022015). Collection method: clinical testing. Allele origin: germline.
Comment: This sequence change replaces lysine, which is basic and polar, with glutamic acid, which is acidic and polar, at codon 382 of the MSH3 protein (p.Lys382Glu). This variant is not present in population databases (gnomAD no frequency). This variant has not been reported in the literature in individuals affected with MSH3-related conditions. An algorithm developed to predict the effect of missense changes on protein structure and function (PolyPhen-2) suggests that this variant is likely to be tolerated. In summary, the available evidence is currently insufficient to determine the role of this variant in disease. Therefore, it has been classified as a Variant of Uncertain Significance.

NM_002439.5(MSH3):c.1144A>G (p.Lys382Glu)

Gene: MSH3 (mutS homolog 3; plus strand). Cytogenetic location: 5q14.1.
Variant type: single nucleotide variant.
Coding change: c.1144A>G on transcript NM_002439.5 (MANE Select); coding-DNA position 1144, A replaced by G.
Protein change: p.Lys382Glu; replaces lysine 382 with glutamic acid.
Molecular consequence: missense variant.
Genome position (GRCh38, 1-based): chr5:80,675,099, A>G. VCF-style: chr5-80675099-A-G. GRCh37 (hg19) VCF-style: chr5-79970918-A-G.
Other names: c.1144A>G (NM_002439.3); short protein forms K382E.
Identifiers: ClinVar variation 2704962 (VCV002704962.4), dbSNP rs139170496, ClinGen allele CA360268269.